The following is an entry in ClinVar:

ClinVar aggregate classification (germline): Uncertain significance. Review status: criteria provided, multiple submitters, no conflicts (2 of 4 stars). 2 submissions from 2 submitters: Uncertain significance (2). Last evaluated 2025-11-04.

Conditions:
Hereditary cancer-predisposing syndrome. Also called: Hereditary Cancer Syndrome; Hereditary neoplastic syndrome; Neoplastic Syndromes, Hereditary; Tumor predisposition. Identifiers: Orphanet 140162, MedGen C0027672, MeSH D009386, MONDO:0015356.
EGFR-related lung cancer (EGFR). Identifiers: MedGen CN130014.

Allele frequency attached by ClinVar (database versions not stated): gnomAD exomes below 0.00001.
gnomAD v4.1: 7 of 1,614,168 alleles (0.00043%); highest among the groups gnomAD compares: Middle Eastern, 0.033%; no homozygotes.

Submissions (2):

Labcorp Genetics (formerly Invitae), Labcorp
Classification: Uncertain significance for EGFR-related lung cancer. Last evaluated: 2025-11-04. Review status: criteria provided, single submitter. Criteria: Invitae Variant Classification Sherloc (09022015). Collection method: clinical testing. Allele origin: germline.
Comment: This sequence change replaces histidine, which is basic and polar, with arginine, which is basic and polar, at codon 584 of the EGFR protein (p.His584Arg). This variant is not present in population databases (gnomAD no frequency). This variant has not been reported in the literature in individuals affected with EGFR-related conditions. ClinVar contains an entry for this variant (Variation ID: 1063175). Invitae Evidence Modeling of protein sequence and biophysical properties (such as structural, functional, and spatial information, amino acid conservation, physicochemical variation, residue mobility, and thermodynamic stability) indicates that this missense variant is not expected to disrupt EGFR protein function with a negative predictive value of 80%. In summary, the available evidence is currently insufficient to determine the role of this variant in disease. Therefore, it has been classified as a Variant of Uncertain Significance.

Ambry Genetics
Classification: Uncertain significance for Hereditary cancer-predisposing syndrome. Last evaluated: 2025-06-11. Review status: criteria provided, single submitter. Criteria: Ambry Variant Classification Scheme 2023. Collection method: clinical testing. Allele origin: germline.
Comment: The p.H584R variant (also known as c.1751A>G), located in coding exon 15 of the EGFR gene, results from an A to G substitution at nucleotide position 1751. The histidine at codon 584 is replaced by arginine, an amino acid with highly similar properties. This amino acid position is not well conserved in available vertebrate species. In addition, this alteration is predicted to be tolerated by in silico analysis. Based on the available evidence, the clinical significance of this variant remains unclear.

NM_005228.5(EGFR):c.1751A>G (p.His584Arg)

Gene: EGFR (epidermal growth factor receptor; plus strand). Cytogenetic location: 7p11.2.
Variant type: single nucleotide variant.
Coding change: c.1751A>G on transcript NM_005228.5 (MANE Select); coding-DNA position 1751, A replaced by G.
Protein change: p.His584Arg; replaces histidine 584 with arginine.
Molecular consequence: missense variant.
Genome position (GRCh38, 1-based): chr7:55,165,308, A>G. VCF-style: chr7-55165308-A-G. GRCh37 (hg19) VCF-style: chr7-55233001-A-G.
Other names: c.1616A>G, p.His539Arg (NM_001346897.2, NM_001346899.2); c.1751A>G, p.His584Arg (NM_001346898.2, NM_201282.2, NM_201284.2); c.1592A>G, p.His531Arg (NM_001346900.2); c.950A>G, p.His317Arg (NM_001346941.2); c.1751A>G (NM_005228.3); short protein forms H317R, H531R, H539R, H584R.
Identifiers: ClinVar variation 1063175 (VCV001063175.8), dbSNP rs1562775356, ClinGen allele CA367580675.